The following is an entry in ClinVar:

ClinVar aggregate classification (germline): Benign/Likely benign. Review status: criteria provided, multiple submitters, no conflicts (2 of 4 stars). 3 submissions from 3 submitters: Benign (1); Likely benign (2). Last evaluated 2026-09-01.

Allele frequency attached by ClinVar (database versions not stated): gnomAD exomes 0.00013 and 0.00070; gnomAD 0.00014; ESP Exome Variant Server 0.00015; TOPMed 0.00030; ExAC 0.00051.
gnomAD v4.1: 202 of 1,612,882 alleles (0.013%); highest among the groups gnomAD compares: Admixed American, 0.33%; 2 homozygotes.

Submissions (3):

CeGaT Center for Human Genetics Tuebingen
Classification: Likely benign. Last evaluated: 2026-09-01. Review status: criteria provided, single submitter. Criteria: CeGaT Center For Human Genetics Tuebingen Variant Classification Criteria Version 2. Collection method: clinical testing. Allele origin: germline. Affected: yes. Observed: 3 variant alleles.
Comment: HERC2: BP4, BP7

Blueprint Genetics
Classification: Likely benign. Last evaluated: 2024-06-06. Review status: criteria provided, single submitter. Criteria: ACMG Guidelines, 2015. Collection method: clinical testing. Allele origin: germline.

Labcorp Genetics (formerly Invitae), Labcorp
Classification: Benign. Last evaluated: 2019-12-31. Review status: criteria provided, single submitter. Criteria: Invitae Variant Classification Sherloc (09022015). Collection method: clinical testing. Allele origin: germline.

NM_004667.6(HERC2):c.10692G>A (p.Arg3564=)

Gene: HERC2 (HECT and RLD domain containing E3 ubiquitin protein ligase 2; minus strand). Cytogenetic location: 15q13.1.
Variant type: single nucleotide variant.
Coding change: c.10692G>A on transcript NM_004667.6 (MANE Select); coding-DNA position 10692, G replaced by A.
Protein change: p.Arg3564=; no amino-acid change (arginine 3564 retained).
Molecular consequence: synonymous variant.
Genome position (GRCh38, 1-based): chr15:28,163,148, C>T on the plus strand (G>A on the coding strand, the complement: HERC2 is on the minus strand). VCF-style: chr15-28163148-C-T. GRCh37 (hg19) VCF-style: chr15-28408294-C-T.
Identifiers: ClinVar variation 717374 (VCV000717374.11), dbSNP rs377609546, ClinGen allele CA7440777.